The following is an entry in ClinVar:

ClinVar aggregate classification (germline): Conflicting classifications of pathogenicity. Review status: criteria provided, conflicting classifications (1 of 4 stars). 3 submissions from 3 submitters: Uncertain significance (1); Likely benign (1). 1 of the submissions does not count toward it. Last evaluated 2026-02-04.

Conditions:
Congenital muscular dystrophy due to partial LAMA2 deficiency. Identifiers: MedGen C1842898.
LAMA2-related disorder. Also called: LAMA2-related disorders; LAMA2-related condition.
LAMA2-related muscular dystrophy (LAMA2-RD). Also called: Laminin alpha 2-related dystrophy. Identifiers: MedGen C5679788, MONDO:0100228.

Allele frequency attached by ClinVar (database versions not stated): ESP Exome Variant Server 0.00008; gnomAD 0.00011 and 0.00021; TOPMed 0.00022; ExAC 0.00036; gnomAD exomes 0.00041; 1000 Genomes Project 30x 0.00141; 1000 Genomes Project 0.00160.
gnomAD v4.1: 371 of 1,613,974 alleles (0.023%); highest among the groups gnomAD compares: East Asian, 0.68%; 5 homozygotes.

Submissions (3):

Labcorp Genetics (formerly Invitae), Labcorp
Classification: Likely benign for LAMA2-related muscular dystrophy. Last evaluated: 2026-02-04. Review status: criteria provided, single submitter. Criteria: Invitae Variant Classification Sherloc (09022015). Collection method: clinical testing. Allele origin: germline.

Illumina Laboratory Services, Illumina
Classification: Uncertain significance for Congenital muscular dystrophy due to partial LAMA2 deficiency. Last evaluated: 2018-01-12. Review status: criteria provided, single submitter. Criteria: ICSL Variant Classification Criteria 13 December 2019. Collection method: clinical testing. Allele origin: germline.

PreventionGenetics, part of Exact Sciences
Classification: Likely benign for LAMA2-related condition. Last evaluated: 2022-03-16. Review status: no assertion criteria provided. Collection method: clinical testing. Allele origin: germline. Not counted in ClinVar's aggregate classification.
Comment: This variant is classified as likely benign based on ACMG/AMP sequence variant interpretation guidelines (Richards et al. 2015 PMID: 25741868, with internal and published modifications).

NM_000426.4(LAMA2):c.6206A>G (p.Tyr2069Cys)

Genes: LAMA2 (laminin subunit alpha 2; plus strand), LOC123864065 (Sharpr-MPRA regulatory region 661; plus strand). Cytogenetic location: 6q22.33.
Variant type: single nucleotide variant.
Coding change: c.6206A>G on transcript NM_000426.4 (MANE Select); coding-DNA position 6206, A replaced by G.
Protein change: p.Tyr2069Cys; replaces tyrosine 2069 with cysteine.
Molecular consequence: missense variant.
Genome position (GRCh38, 1-based): chr6:129,440,936, A>G. VCF-style: chr6-129440936-A-G. GRCh37 (hg19) VCF-style: chr6-129762081-A-G.
Other names: c.6206A>G, p.Tyr2069Cys (NM_001079823.2); short protein forms Y2069C.
Identifiers: ClinVar variation 355285 (VCV000355285.17), dbSNP rs117884199, ClinGen allele CA3994133.